The following is an entry in ClinVar:

NM_004360.5(CDH1):c.720T>G (p.Asn240Lys)

Gene: CDH1 (cadherin 1; plus strand). Cytogenetic location: 16q22.1.
Variant type: single nucleotide variant.
Coding change: c.720T>G on transcript NM_004360.5 (MANE Select); coding-DNA position 720, T replaced by G.
Protein change: p.Asn240Lys; replaces asparagine 240 with lysine.
Molecular consequence: missense variant. On other transcripts: 5 prime UTR variant (2).
Genome position (GRCh38, 1-based): chr16:68,810,229, T>G. VCF-style: chr16-68810229-T-G. GRCh37 (hg19) VCF-style: chr16-68844132-T-G.
Other names: c.720T>G, p.Asn240Lys (NM_001317184.2); c.-896T>G (NM_001317185.2); c.-1100T>G (NM_001317186.2); short protein forms N240K.
Identifiers: ClinVar variation 1411050 (VCV001411050.8), dbSNP rs2152131034, ClinGen allele CA396458466.

ClinVar aggregate classification (germline): Uncertain significance (1 of 4 stars; one submission).

Conditions:
Hereditary diffuse gastric adenocarcinoma (HDGC). Also called: DIFFUSE GASTRIC AND LOBULAR BREAST CANCER SYNDROME. Identifiers: Orphanet 26106, MedGen C1708349, MONDO:0007648, OMIM 137215.

Submission:

Labcorp Genetics (formerly Invitae), Labcorp
Classification: Uncertain significance for Hereditary diffuse gastric adenocarcinoma. Last evaluated: 2021-06-07. Review status: criteria provided, single submitter. Criteria: Invitae Variant Classification Sherloc (09022015). Collection method: clinical testing. Allele origin: germline.
Comment: This sequence change replaces asparagine with lysine at codon 240 of the CDH1 protein (p.Asn240Lys). The asparagine residue is weakly conserved and there is a moderate physicochemical difference between asparagine and lysine. This variant is not present in population databases (ExAC no frequency). This variant has not been reported in the literature in individuals with CDH1-related conditions. Algorithms developed to predict the effect of missense changes on protein structure and function output the following: SIFT: "Tolerated"; PolyPhen-2: "Benign"; Align-GVGD: "Class C0". The lysine amino acid residue is found in multiple mammalian species, suggesting that this missense change does not adversely affect protein function. These predictions have not been confirmed by published functional studies and their clinical significance is uncertain. Algorithms developed to predict the effect of sequence changes on RNA splicing suggest that this variant may create or strengthen a splice site, but this prediction has not been confirmed by published transcriptional studies. In summary, the available evidence is currently insufficient to determine the role of this variant in disease. Therefore, it has been classified as a Variant of Uncertain Significance.